The following is an entry in ClinVar:

ClinVar aggregate classification (germline): Uncertain significance. Review status: criteria provided, multiple submitters, no conflicts (2 of 4 stars). 4 submissions from 4 submitters: Uncertain significance (4). Last evaluated 2024-02-15.

Conditions:
Aicardi-Goutieres syndrome 3. Identifiers: Orphanet 51, MedGen C1835916, MONDO:0012471, OMIM 610329.
Inborn genetic diseases. Identifiers: MedGen C0950123, MeSH D030342.

Allele frequency attached by ClinVar (database versions not stated): ExAC 0.00002; gnomAD exomes 0.00004; TOPMed 0.00004.
gnomAD v4.1: 11 of 1,614,140 alleles (0.00068%); highest among the groups gnomAD compares: East Asian, 0.02%; no homozygotes.

Submissions (4):

Ambry Genetics
Classification: Uncertain significance for Inborn genetic diseases. Last evaluated: 2024-02-15. Review status: criteria provided, single submitter. Criteria: Ambry Variant Classification Scheme 2023. Collection method: clinical testing. Allele origin: germline.
Comment: The c.434G>T (p.R145L) alteration is located in exon 3 (coding exon 3) of the RNASEH2C gene. This alteration results from a G to T substitution at nucleotide position 434, causing the arginine (R) at amino acid position 145 to be replaced by a leucine (L). Based on data from gnomAD, the T allele has an overall frequency of 0.004% (9/251300) total alleles studied. The highest observed frequency was 0.049% (9/18388) of East Asian alleles. This variant has been identified in trans with another RNASEH2C variant in two individuals with hypotonia, abnormal MRI findings, and other clinical features consistent with RNASEH2C-related Aicardi-Goutieres syndrome (Liu, 2023; Wang, 2023). This amino acid position is not well conserved in available vertebrate species. The in silico prediction for this alteration is inconclusive. Based on insufficient or conflicting evidence, the clinical significance of this alteration remains unclear.

Labcorp Genetics (formerly Invitae), Labcorp
Classification: Uncertain significance for Aicardi-Goutieres syndrome 3. Last evaluated: 2022-07-17. Review status: criteria provided, single submitter. Criteria: Invitae Variant Classification Sherloc (09022015). Collection method: clinical testing. Allele origin: germline.
Comment: This sequence change replaces arginine, which is basic and polar, with leucine, which is neutral and non-polar, at codon 145 of the RNASEH2C protein (p.Arg145Leu). This variant is present in population databases (rs774773395, gnomAD 0.05%). This variant has not been reported in the literature in individuals affected with RNASEH2C-related conditions. ClinVar contains an entry for this variant (Variation ID: 640757). Algorithms developed to predict the effect of missense changes on protein structure and function (SIFT, PolyPhen-2, Align-GVGD) all suggest that this variant is likely to be tolerated. In summary, the available evidence is currently insufficient to determine the role of this variant in disease. Therefore, it has been classified as a Variant of Uncertain Significance.

Fulgent Genetics
Classification: Uncertain significance for Aicardi-Goutieres syndrome 3. Last evaluated: 2022-01-17. Review status: criteria provided, single submitter. Criteria: ACMG Guidelines, 2015. Collection method: clinical testing. Allele origin: unknown.

Blueprint Genetics
Classification: Uncertain significance. Last evaluated: 2019-12-16. Review status: criteria provided, single submitter. Criteria: ACMG Guidelines, 2015. Collection method: clinical testing. Allele origin: germline.

Literature cited by the submitters: PubMed 36585007 (cited by Ambry Genetics); PubMed 37092250 (cited by Ambry Genetics).

NM_032193.4(RNASEH2C):c.434G>T (p.Arg145Leu)

Gene: RNASEH2C (ribonuclease H2 subunit C; minus strand). Cytogenetic location: 11q13.1.
Variant type: single nucleotide variant.
Coding change: c.434G>T on transcript NM_032193.4 (MANE Select); coding-DNA position 434, G replaced by T.
Protein change: p.Arg145Leu; replaces arginine 145 with leucine.
Molecular consequence: missense variant.
Genome position (GRCh38, 1-based): chr11:65,720,079, C>A on the plus strand (G>T on the coding strand, the complement: RNASEH2C is on the minus strand). VCF-style: chr11-65720079-C-A. GRCh37 (hg19) VCF-style: chr11-65487550-C-A.
Other names: short protein forms R145L.
Identifiers: ClinVar variation 640757 (VCV000640757.8), dbSNP rs774773395, ClinGen allele CA6107691.